The following is an entry in ClinVar:

ClinVar aggregate classification (germline): Pathogenic/Likely pathogenic. Review status: criteria provided, multiple submitters, no conflicts (2 of 4 stars). 5 submissions from 5 submitters: Pathogenic (1); Likely pathogenic (3). 1 of the submissions does not count toward it. Last evaluated 2024-01-05.

Conditions:
Xeroderma pigmentosum, group C (XPC). Also called: XPC-Related Xeroderma Pigmentosum; Xeroderma pigmentosum, complementation group C; XERODERMA PIGMENTOSUM III; XP, GROUP C. Identifiers: Orphanet 910, MedGen C2752147, MONDO:0010211, OMIM 278720.

Submissions (5):

Fulgent Genetics
Classification: Likely pathogenic for Xeroderma pigmentosum, group C. Last evaluated: 2024-01-05. Review status: criteria provided, single submitter. Criteria: ACMG Guidelines, 2015. Collection method: clinical testing. Allele origin: germline.

Labcorp Genetics (formerly Invitae), Labcorp
Classification: Pathogenic. Last evaluated: 2023-11-06. Review status: criteria provided, single submitter. Criteria: Invitae Variant Classification Sherloc (09022015). Collection method: clinical testing. Allele origin: germline.
Comment: This sequence change creates a premature translational stop signal (p.Asn778Glnfs*21) in the XPC gene. It is expected to result in an absent or disrupted protein product. Loss-of-function variants in XPC are known to be pathogenic (PMID: 23173980, 25256075). This variant is not present in population databases (gnomAD no frequency). This variant has not been reported in the literature in individuals affected with XPC-related conditions. ClinVar contains an entry for this variant (Variation ID: 555832). For these reasons, this variant has been classified as Pathogenic.

Baylor Genetics
Classification: Likely pathogenic for Xeroderma pigmentosum, group C. Last evaluated: 2023-03-11. Review status: criteria provided, single submitter. Criteria: ACMG Guidelines, 2015. Collection method: clinical testing. Allele origin: unknown.

Neuberg Centre For Genomic Medicine, NCGM
Classification: Likely pathogenic for Xeroderma pigmentosum, group C. Review status: criteria provided, single submitter. Criteria: ACMG Guidelines, 2015. Collection method: clinical testing. Allele origin: germline. Inheritance: Autosomal recessive inheritance. Affected: yes.
Comment: The frameshift variant c.2331dup (p.Asn778GlnfsTer21) in XPC gene has not been reported previously as a pathogenic variant nor as a benign variant, to our knowledge. This variant has been reported to the ClinVar database as Likely Pathogenic. The p.Asn778GlnfsTer21 variant is novel (not in any individuals) in gnomAD Exomes and 1000 Genomes. This variant causes a frameshift starting with codon Asparagine 778, changes this amino acid to Glutamine residue, and creates a premature Stop codon at position 21 of the new reading frame, denoted p.Asn778GlnfsTer21. This variant is predicted to cause loss of normal protein function. Loss of function variants have been previously reported to be disease causing. For these reasons, this variant has been classified as Likely Pathogenic.

Counsyl
Classification: Likely pathogenic for Xeroderma pigmentosum, group C. Last evaluated: 2017-12-22. Review status: no assertion criteria provided. Collection method: clinical testing. Allele origin: unknown. Not counted in ClinVar's aggregate classification.

Literature cited by the submitters: PubMed 23173980 (cited by Labcorp Genetics (formerly Invitae), Labcorp); PubMed 25256075 (cited by Labcorp Genetics (formerly Invitae), Labcorp).

NM_004628.5(XPC):c.2331dup (p.Asn778fs)

Gene: XPC (XPC complex subunit, DNA damage recognition and repair factor; minus strand). Cytogenetic location: 3p25.1.
Variant type: Duplication.
Coding change: c.2331dup on transcript NM_004628.5 (MANE Select); coding-DNA position 2331, one base duplicated (C; older notation c.2331dupC).
Protein change: p.Asn778fs; shifts the reading frame from asparagine 778.
Molecular consequence: frameshift variant. On other transcripts: non-coding transcript variant (2).
Genome position (GRCh38, 1-based): chr3:14,148,651, G duplicated on the plus strand (C on the coding strand, the reverse complement: XPC is on the minus strand); the first of 3 consecutive G bases (chr3:14,148,651-14,148,653); duplicating any one gives the same sequence. VCF-style (leftmost placement, unchanged base first): chr3-14148650-T-TG. GRCh37 (hg19) VCF-style: chr3-14190150-T-TG.
Other names: c.2331dupC (NM_004628.4); c.1752dup, p.Asn585fs (NM_001354726.2); c.2325dup, p.Asn776fs (NM_001354727.2); c.2313dup, p.Asn772fs (NM_001354729.2); c.2085dup, p.Asn696fs (NM_001354730.2); short protein forms N776fs, N585fs, N772fs, N696fs, N778fs.
Identifiers: ClinVar variation 555832 (VCV000555832.9), dbSNP rs1553604552, ClinGen allele CA658822341.